The following is an entry in ClinVar:

NM_005357.4(LIPE):c.883+1G>A

Genes: LIPE (lipase E, hormone sensitive type; minus strand), LIPE-AS1 (LIPE antisense RNA 1; plus strand). Cytogenetic location: 19q13.2.
Variant type: single nucleotide variant.
Coding change: c.883+1G>A on transcript NM_005357.4 (MANE Select); the canonical splice donor site of the intron after coding-DNA position 883, G replaced by A.
Molecular consequence: splice donor variant.
Genome position (GRCh38, 1-based): chr19:42,426,266, C>T on the plus strand (G>A on the coding strand, the complement: LIPE is on the minus strand). VCF-style: chr19-42426266-C-T. GRCh37 (hg19) VCF-style: chr19-42930418-C-T.
Identifiers: ClinVar variation 4883581 (VCV004883581.2).

ClinVar aggregate classification (germline): Uncertain significance (1 of 4 stars; one submission).

gnomAD v4.1: 116 of 1,597,632 alleles (0.0073%); highest among the groups gnomAD compares: Non-Finnish European, 0.0091%; no homozygotes.

Submission:

Dasa
Classification: Uncertain significance. Last evaluated: 2025-07-28. Review status: criteria provided, single submitter. Criteria: DASA Assertion Criteria. Collection method: clinical testing. Allele origin: germline.
Comment: NM_005357.4(LIPE):c.883+1G>A affects a canonical splice site and is predicted to disrupt normal RNA splicing. This variant is rare in population databases. The currently available literature and clinical evidence are not sufficient to establish a definitive association between this variant and the reported condition. Therefore, this variant is classified as a variant of uncertain significance.